The following is an entry in ClinVar:

ClinVar aggregate classification (germline): Uncertain significance (1 of 4 stars; one submission).

Conditions:
Hereditary sensory neuropathy-deafness-dementia syndrome. Also called: HSN IE; NEUROPATHY, HEREDITARY SENSORY, WITH HEARING LOSS AND DEMENTIA; Hereditary Sensory and Autonomic Neuropathy Type 1E (HSAN1E); Hereditary sensory neuropathy type IE. Identifiers: Orphanet 456318, MedGen C3279885, MONDO:0013584, OMIM 614116.

gnomAD v4.1: 2 of 1,613,914 alleles (0.00012%); highest among the groups gnomAD compares: East Asian, 0.0022%; no homozygotes.

Submission:

Labcorp Genetics (formerly Invitae), Labcorp
Classification: Uncertain significance for Hereditary sensory neuropathy-deafness-dementia syndrome. Last evaluated: 2024-07-08. Review status: criteria provided, single submitter. Criteria: Invitae Variant Classification Sherloc (09022015). Collection method: clinical testing. Allele origin: germline.
Comment: This sequence change replaces glycine, which is neutral and non-polar, with arginine, which is basic and polar, at codon 822 of the DNMT1 protein (p.Gly822Arg). This variant is present in population databases (rs183555527, gnomAD 0.0009%). This variant has not been reported in the literature in individuals affected with DNMT1-related conditions. Advanced modeling of protein sequence and biophysical properties (such as structural, functional, and spatial information, amino acid conservation, physicochemical variation, residue mobility, and thermodynamic stability) performed at Invitae indicates that this missense variant is expected to disrupt DNMT1 protein function with a positive predictive value of 80%. In summary, the available evidence is currently insufficient to determine the role of this variant in disease. Therefore, it has been classified as a Variant of Uncertain Significance.

NM_001130823.3(DNMT1):c.2464G>A (p.Gly822Arg)

Gene: DNMT1 (DNA methyltransferase 1; minus strand). Cytogenetic location: 19p13.2.
Variant type: single nucleotide variant.
Coding change: c.2464G>A on transcript NM_001130823.3 (MANE Select); coding-DNA position 2464, G replaced by A.
Protein change: p.Gly822Arg; replaces glycine 822 with arginine.
Molecular consequence: missense variant.
Genome position (GRCh38, 1-based): chr19:10,149,575, C>T on the plus strand (G>A on the coding strand, the complement: DNMT1 is on the minus strand). VCF-style: chr19-10149575-C-T. GRCh37 (hg19) VCF-style: chr19-10260251-C-T.
Other names: c.2416G>A, p.Gly806Arg (NM_001318730.2, NM_001379.4); c.2101G>A, p.Gly701Arg (NM_001318731.2); short protein forms G701R, G806R, G822R.
Identifiers: ClinVar variation 3631080 (VCV003631080.2).